The following is an entry in ClinVar:

NM_145290.4(ADGRA3):c.1312G>A (p.Val438Met)

Gene: ADGRA3 (adhesion G protein-coupled receptor A3; minus strand). Cytogenetic location: 4p15.2.
Variant type: single nucleotide variant.
Coding change: c.1312G>A on transcript NM_145290.4 (MANE Select); coding-DNA position 1312, G replaced by A.
Protein change: p.Val438Met; replaces valine 438 with methionine.
Molecular consequence: missense variant.
Genome position (GRCh38, 1-based): chr4:22,435,442, C>T on the plus strand (G>A on the coding strand, the complement: ADGRA3 is on the minus strand). VCF-style: chr4-22435442-C-T. GRCh37 (hg19) VCF-style: chr4-22437065-C-T.
Other names: c.1312G>A (NM_145290.2); short protein forms V438M.
Identifiers: ClinVar variation 1964775 (VCV001964775.6), dbSNP rs780634313, ClinGen allele CA2873988.
Genomic context (GRCh38, chr4:22,435,442, plus strand): 5'-TTTTGTCAGAAAAGTTGGCTGCTTCCACAGTGTAAGCCAGTAACTGTCGAGCTGTTGCCA[C>T]GGCATTGGTAAGATTGAGGGGCATCTACATTTCAAAGGCAAAAATGATCAACAAAACAGT-3'
Protein context (NP_660333.2, residues 428-448): NQMPLNLTNA[Val438Met]ATARQLLAYT

ClinVar aggregate classification (germline): Uncertain significance. Review status: criteria provided, multiple submitters, no conflicts (2 of 4 stars). 2 submissions from 2 submitters: Uncertain significance (2). Last evaluated 2025-04-03.

Allele frequency attached by ClinVar (database versions not stated): TOPMed below 0.00001; ExAC 0.00002.
gnomAD v4.1: 14 of 1,603,546 alleles (0.00087%); highest among the groups gnomAD compares: East Asian, 0.0067%; no homozygotes.

Submissions (2):

Ambry Genetics
Classification: Uncertain significance. Last evaluated: 2025-04-03. Review status: criteria provided, single submitter. Criteria: Ambry Variant Classification Scheme 2023. Collection method: clinical testing. Allele origin: germline.

Labcorp Genetics (formerly Invitae), Labcorp
Classification: Uncertain significance. Last evaluated: 2022-05-15. Review status: criteria provided, single submitter. Criteria: Invitae Variant Classification Sherloc (09022015). Collection method: clinical testing. Allele origin: germline.
Comment: In summary, the available evidence is currently insufficient to determine the role of this variant in disease. Therefore, it has been classified as a Variant of Uncertain Significance. Algorithms developed to predict the effect of missense changes on protein structure and function are either unavailable or do not agree on the potential impact of this missense change (SIFT: "Deleterious"; PolyPhen-2: "Benign"; Align-GVGD: "Class C0"). This variant has not been reported in the literature in individuals affected with ADGRA3-related conditions. This variant is present in population databases (rs780634313, gnomAD 0.002%). This sequence change replaces valine, which is neutral and non-polar, with methionine, which is neutral and non-polar, at codon 438 of the ADGRA3 protein (p.Val438Met).